The following is an entry in ClinVar:

NM_000277.3(PAH):c.632C>T (p.Pro211Leu)

Gene: PAH (phenylalanine hydroxylase; minus strand). Cytogenetic location: 12q23.2.
Variant type: single nucleotide variant.
Coding change: c.632C>T on transcript NM_000277.3 (MANE Select); coding-DNA position 632, C replaced by T.
Protein change: p.Pro211Leu; replaces proline 211 with leucine.
Molecular consequence: missense variant.
Genome position (GRCh38, 1-based): chr12:102,855,210, G>A on the plus strand (C>T on the coding strand, the complement: PAH is on the minus strand). VCF-style: chr12-102855210-G-A. GRCh37 (hg19) VCF-style: chr12-103248988-G-A.
Other names: c.632C>T, p.Pro211Leu (NM_001354304.2); short protein forms P211L.
Identifiers: ClinVar variation 120283 (VCV000120283.20), dbSNP rs281865443, ClinGen allele CA267667.

ClinVar aggregate classification (germline): Pathogenic/Likely pathogenic. Review status: criteria provided, multiple submitters, no conflicts (2 of 4 stars). 8 submissions from 8 submitters: Pathogenic (1); Likely pathogenic (4). 3 of the submissions do not count toward it. Last evaluated 2026-01-15.

Conditions:
PAH-related disorder. Also called: PAH-related condition.
Phenylketonuria (PKU). Also called: Phenylketonuria (PKU); FOLLING DISEASE; OLIGOPHRENIA PHENYLPYRUVICA; Phenylketonurias. Identifiers: Orphanet 716, MedGen C0031485, MONDO:0009861, OMIM 261600. Disease mechanism: loss of function.

gnomAD v4.1: 1 of 1,614,110 alleles (0.000062%); highest among the groups gnomAD compares: Non-Finnish European, 0.000085%; no homozygotes.

Submissions (8):

Myriad Genetics, Inc.
Classification: Likely pathogenic for Phenylketonuria. Last evaluated: 2026-01-15. Review status: criteria provided, single submitter. Criteria: Myriad Autosomal Dominant, Autosomal Recessive and X-Linked Classification Criteria (2023). Collection method: clinical testing. Allele origin: unknown.
Comment: NM_000277.1(PAH):c.632C>T(P211L) is a missense variant classified as likely pathogenic in the context of phenylalanine hydroxylase deficiency. P211L has been observed in cases with relevant disease (PMID: 24350308, Gundorova_2016_(Article), Zordan_2019_(Thesis), 31923802, 32668217). Relevant functional assessments of this variant are not available in the literature. P211L has not been observed in referenced population frequency databases. In summary, NM_000277.1(PAH):c.632C>T(P211L) is a missense variant that has been observed more frequently in cases with the relevant disease than in healthy populations. Please note: this variant was assessed in the context of healthy population screening.

Labcorp Genetics (formerly Invitae), Labcorp
Classification: Pathogenic for Phenylketonuria. Last evaluated: 2024-01-25. Review status: criteria provided, single submitter. Criteria: Invitae Variant Classification Sherloc (09022015). Collection method: clinical testing. Allele origin: germline.
Comment: This sequence change replaces proline, which is neutral and non-polar, with leucine, which is neutral and non-polar, at codon 211 of the PAH protein (p.Pro211Leu). This variant is not present in population databases (gnomAD no frequency). This missense change has been observed in individual(s) with classic phenylketonuria and PAH deficiency (PMID: 24350308; Invitae). ClinVar contains an entry for this variant (Variation ID: 120283). Advanced modeling of protein sequence and biophysical properties (such as structural, functional, and spatial information, amino acid conservation, physicochemical variation, residue mobility, and thermodynamic stability) performed at Invitae indicates that this missense variant is expected to disrupt PAH protein function with a positive predictive value of 80%. This variant disrupts the p.Pro211 amino acid residue in PAH. Other variant(s) that disrupt this residue have been determined to be pathogenic (PMID: 8268925, 9429153, 11708866, 16198137, 17935162, 23500595). This suggests that this residue is clinically significant, and that variants that disrupt this residue are likely to be disease-causing. For these reasons, this variant has been classified as Pathogenic.

Baylor Genetics
Classification: Likely pathogenic for Phenylketonuria. Last evaluated: 2023-09-16. Review status: criteria provided, single submitter. Criteria: ACMG Guidelines, 2015. Collection method: clinical testing. Allele origin: unknown.

Blueprint Genetics
Classification: Likely pathogenic for PAH-related disorders. Last evaluated: 2022-11-07. Review status: criteria provided, single submitter. Criteria: ACMG Guidelines, 2015. Collection method: clinical testing. Allele origin: germline. Affected: yes. Observed: 1 variant allele.

Women's Health and Genetics/Laboratory Corporation of America, LabCorp
Classification: Likely pathogenic for Phenylketonuria. Last evaluated: 2019-10-17. Review status: criteria provided, single submitter. Criteria: LabCorp Variant Classification Summary - May 2015. Collection method: clinical testing. Allele origin: germline.
Comment: Variant summary: PAH c.632C>T (p.Pro211Leu) results in a non-conservative amino acid change in the catalytic domain (IPR041912) of the encoded protein sequence. Five of five in-silico tools predict a damaging effect of the variant on protein function. The variant was absent in 251336 control chromosomes (gnomAD). c.632C>T has been reported in the literature in individuals affected with Phenylalanine Hydroxylase Deficiency (Phenylketonuria) (Gundorova_2016, Bik-Multanowski_2013). These data indicate that the variant may be associated with disease. Two ClinVar submissions (evaluation after 2014) cite the variant as likely pathogenic. In addition, another variant affecting the same codon, P211T, along with variants nearby, N207S, L213P, E214G, have been reported to be associated with PKU. Therefore, suggesting the region is important for protein function. Based on the evidence outlined above, the variant was classified as likely pathogenic.

Natera, Inc.
Classification: Likely pathogenic for Phenylketonuria. Last evaluated: 2020-07-13. Review status: no assertion criteria provided. Collection method: clinical testing. Allele origin: germline. Not counted in ClinVar's aggregate classification.

Counsyl
Classification: Likely pathogenic for Phenylketonuria. Last evaluated: 2018-03-16. Review status: no assertion criteria provided. Collection method: clinical testing. Allele origin: unknown. Not counted in ClinVar's aggregate classification.

Inserm U 954, Faculté de Médecine de Nancy
Classification: Likely pathogenic for Phenylketonuria. Review status: no assertion criteria provided. Collection method: not provided. Allele origin: unknown. Not counted in ClinVar's aggregate classification.
ClinVar note: Converted during submission from probable-pathogenic to Likely pathogenic.

Literature cited by the submitters: PubMed 24350308 (cited by 3 submitters); PubMed 8268925 (cited by Labcorp Genetics (formerly Invitae), Labcorp); PubMed 9429153 (cited by Labcorp Genetics (formerly Invitae), Labcorp); PubMed 11708866 (cited by Labcorp Genetics (formerly Invitae), Labcorp); PubMed 16198137 (cited by Labcorp Genetics (formerly Invitae), Labcorp); PubMed 17935162 (cited by Labcorp Genetics (formerly Invitae), Labcorp); PubMed 23500595 (cited by Labcorp Genetics (formerly Invitae), Labcorp).